The following is an entry in ClinVar:

ClinVar aggregate classification (germline): Uncertain significance (1 of 4 stars; one submission).

Conditions:
Hereditary cancer-predisposing syndrome. Also called: Neoplastic Syndromes, Hereditary; Tumor predisposition; Hereditary Cancer Syndrome; Hereditary neoplastic syndrome. Identifiers: Orphanet 140162, MedGen C0027672, MeSH D009386, MONDO:0015356.

Submission:

Ambry Genetics
Classification: Uncertain significance for Hereditary cancer-predisposing syndrome. Last evaluated: 2026-04-05. Review status: criteria provided, single submitter. Criteria: Ambry Variant Classification Scheme 2023. Collection method: clinical testing. Allele origin: germline.
Comment: The p.F143I variant (also known as c.427T>A), located in coding exon 4 of the TSC2 gene, results from a T to A substitution at nucleotide position 427. The phenylalanine at codon 143 is replaced by isoleucine, an amino acid with highly similar properties. This amino acid position is conserved. In addition, this alteration is predicted to be deleterious by in silico analysis. Based on the available evidence, the clinical significance of this variant remains unclear.

NM_000548.5(TSC2):c.427T>A (p.Phe143Ile)

Gene: TSC2 (TSC complex subunit 2; plus strand). Cytogenetic location: 16p13.3.
Variant type: single nucleotide variant.
Coding change: c.427T>A on transcript NM_000548.5 (MANE Select); coding-DNA position 427, T replaced by A.
Protein change: p.Phe143Ile; replaces phenylalanine 143 with isoleucine.
Molecular consequence: missense variant. On other transcripts: 5 prime UTR variant (14), non-coding transcript variant (5), intron variant (6).
Genome position (GRCh38, 1-based): chr16:2,054,386, T>A. VCF-style: chr16-2054386-T-A. GRCh37 (hg19) VCF-style: chr16-2104387-T-A.
Other names: c.427T>A, p.Phe143Ile (NM_001406665.1, NM_001406671.1, NM_001406673.1 and 8 more transcripts); c.517T>A, p.Phe173Ile (NM_001406667.1, NM_001406668.1); c.316T>A, p.Phe106Ile (NM_001406670.1, NM_001406678.1, NM_001318827.2); c.280T>A, p.Phe94Ile (NM_001406675.1, NM_001406676.1, NM_001406679.1 and 1 more transcripts); c.370T>A, p.Phe124Ile (NM_001406677.1); c.-390T>A (NM_001406680.1, NM_001406683.1, NM_001406687.1); c.-19T>A (NM_001406681.1); c.-1005T>A (NM_001406689.1, NM_001406690.1, NM_001406691.1 and 2 more transcripts); and 6 more; short protein forms F106I, F124I, F143I, F154I, F173I, F94I.
Identifiers: ClinVar variation 4866082 (VCV004866082.1).